The following is an entry in ClinVar:

ClinVar aggregate classification (germline): Uncertain significance (1 of 4 stars; one submission).

Submission:

Ambry Genetics
Classification: Uncertain significance. Last evaluated: 2023-07-05. Review status: criteria provided, single submitter. Criteria: Ambry Variant Classification Scheme 2023. Collection method: clinical testing. Allele origin: germline.
Comment: The c.1197C>T variant (also known as p.S399S), located in coding exon 12 of the KIF1B gene, results from a C to T substitution at nucleotide position 1197. This nucleotide substitution does not change the serine at codon 399. This nucleotide position is not well conserved in available vertebrate species. In silico splice site analysis for this alteration is inconclusive. The evidence for this gene-disease relationship is limited; therefore, the clinical significance of this alteration is unclear.

NM_001365951.3(KIF1B):c.1335C>T (p.Ser445=)

Gene: KIF1B (kinesin family member 1B; plus strand). Cytogenetic location: 1p36.22.
Variant type: single nucleotide variant.
Coding change: c.1335C>T on transcript NM_001365951.3 (MANE Select); coding-DNA position 1335, C replaced by T.
Protein change: p.Ser445=; no amino-acid change (serine 445 retained).
Molecular consequence: synonymous variant.
Genome position (GRCh38, 1-based): chr1:10,282,434, C>T. VCF-style: chr1-10282434-C-T. GRCh37 (hg19) VCF-style: chr1-10342492-C-T.
Other names: c.1335C>T, p.Ser445= (NM_001365952.1); c.1197C>T, p.Ser399= (NM_001365953.1, NM_015074.3, NM_183416.4).
Identifiers: ClinVar variation 2625684 (VCV002625684.2), dbSNP rs2521256019, ClinGen allele CA415880448.